The following is an entry in ClinVar:

NM_006736.6(DNAJB2):c.548+5G>A

Gene: DNAJB2 (DnaJ heat shock protein family (Hsp40) member B2; plus strand). Cytogenetic location: 2q35.
Variant type: single nucleotide variant.
Coding change: c.548+5G>A on transcript NM_006736.6 (MANE Select); 5 bases into the intron after coding-DNA position 548, G replaced by A.
Molecular consequence: intron variant.
Genome position (GRCh38, 1-based): chr2:219,283,240, G>A. VCF-style: chr2-219283240-G-A. GRCh37 (hg19) VCF-style: chr2-220147962-G-A.
Other names: c.548+5G>A (NM_001039550.2).
Identifiers: ClinVar variation 855652 (VCV000855652.5), dbSNP rs1951923213, ClinGen allele CA916082291.

ClinVar aggregate classification (germline): Uncertain significance (1 of 4 stars; one submission).

Conditions:
Neuronopathy, distal hereditary motor, autosomal recessive 5. Also called: NEUROPATHY, DISTAL HEREDITARY MOTOR, AUTOSOMAL RECESSIVE 5; Spinal muscular atrophy, distal, autosomal recessive, 5; Young adult-onset distal hereditary motor neuropathy. Identifiers: Orphanet 314485, Orphanet 443950, MedGen C4749918, MONDO:0013947, OMIM 614881.

Allele frequency attached by ClinVar (database versions not stated): gnomAD exomes below 0.00001.
gnomAD v4.1: 1 of 1,614,196 alleles (0.000062%); highest among the groups gnomAD compares: Non-Finnish European, 0.000085%; no homozygotes.

Submission:

Labcorp Genetics (formerly Invitae), Labcorp
Classification: Uncertain significance for Neuronopathy, distal hereditary motor, autosomal recessive 5. Last evaluated: 2019-02-19. Review status: criteria provided, single submitter. Criteria: Invitae Variant Classification Sherloc (09022015). Collection method: clinical testing. Allele origin: germline.
Comment: This sequence change falls in intron 7 of the DNAJB2 gene. It does not directly change the encoded amino acid sequence of the DNAJB2 protein, but it affects a nucleotide within the consensus splice site of the intron. This variant is not present in population databases (ExAC no frequency). This variant has not been reported in the literature in individuals with DNAJB2-related conditions. Nucleotide substitutions within the consensus splice site are a relatively common cause of aberrant splicing (PMID: 17576681, 9536098). Algorithms developed to predict the effect of sequence changes on RNA splicing suggest that this variant may disrupt the consensus splice site, but this prediction has not been confirmed by published transcriptional studies. In summary, the available evidence is currently insufficient to determine the role of this variant in disease. Therefore, it has been classified as a Variant of Uncertain Significance.

Literature cited by the submitters: PubMed 17576681; PubMed 9536098.